The following is an entry in ClinVar:

NM_003907.3(EIF2B5):c.71C>G (p.Pro24Arg)

Gene: EIF2B5 (eukaryotic translation initiation factor 2B subunit epsilon; plus strand). Cytogenetic location: 3q27.1.
Variant type: single nucleotide variant.
Coding change: c.71C>G on transcript NM_003907.3 (MANE Select); coding-DNA position 71, C replaced by G.
Protein change: p.Pro24Arg; replaces proline 24 with arginine.
Molecular consequence: missense variant.
Genome position (GRCh38, 1-based): chr3:184,135,456, C>G. VCF-style: chr3-184135456-C-G. GRCh37 (hg19) VCF-style: chr3-183853244-C-G.
Other names: short protein forms P24R.
Identifiers: ClinVar variation 4067133 (VCV004067133.2).
Genomic context (GRCh38, chr3:184,135,456, plus strand): 5'-CTGTAGTGGCGCCGCCTGGTGTGGTGGTTAGTCGGGCTAACAAGCGCAGCGGCGCGGGGC[C>G]GGGAGGCAGCGGTGGCGGGGGAGCCAGAGGGGCGGAGGAGGAACCGCCGCCGCCCCTACA-3'
Protein context (NP_003898.2, residues 14-34): SRANKRSGAG[Pro24Arg]GGSGGGGARG

ClinVar aggregate classification (germline): Uncertain significance. Review status: criteria provided, single submitter (1 of 4 stars). 2 submissions from 2 submitters: Uncertain significance (1). 1 of the submissions does not count toward it. Last evaluated 2026-01-13.

Conditions:
Vanishing white matter disease. Also called: CACH syndrome; Childhood ataxia with diffuse central nervous system hypomyelination; Leukoencephalopathy with vanishing white matter; CACH/VWM syndrome; Cree leukoencehalopathy. Identifiers: Orphanet 135, Orphanet 99853, MedGen C1858991, MONDO:0800448.

gnomAD v4.1: 9 of 1,580,138 alleles (0.00057%); highest among the groups gnomAD compares: African/African-American, 0.0013%; no homozygotes.

Submissions (2):

Women's Health and Genetics/Laboratory Corporation of America, LabCorp
Classification: Uncertain significance. Last evaluated: 2026-01-13. Review status: criteria provided, single submitter. Criteria: LabCorp Variant Classification Summary - May 2015. Collection method: clinical testing. Allele origin: germline.
Comment: Variant summary: EIF2B5 c.71C>G (p.Pro24Arg) results in a non-conservative amino acid change in the encoded protein sequence. Algorithms developed to predict the effect of missense changes on protein structure and function are either unavailable or do not agree on the potential impact of this missense change. The variant allele was found at a frequency of 1.1e-05 in 188336 control chromosomes. The available data on variant occurrences in the general population are insufficient to allow any conclusion about variant significance. To our knowledge, no occurrence of c.71C>G in individuals affected with EIF2B5-related conditions and no experimental evidence demonstrating its impact on protein function have been reported. ClinVar contains an entry for this variant (Variation ID: 4067133). Based on the evidence outlined above, the variant was classified as uncertain significance.

Natera, Inc.
Classification: Uncertain significance for Leukoencephalopathy with vanishing white matter. Last evaluated: 2025-03-05. Review status: no assertion criteria provided. Collection method: clinical testing. Allele origin: germline. Not counted in ClinVar's aggregate classification.